The following is an entry in ClinVar:

NM_000350.3(ABCA4):c.5018+2T>A

Genes: ABCA4 (ATP binding cassette subfamily A member 4; minus strand), LOC126805793 (CDK7 strongly-dependent group 2 enhancer GRCh37_chr1:94486302-94487501; plus strand). Cytogenetic location: 1p22.1.
Variant type: single nucleotide variant.
Coding change: c.5018+2T>A on transcript NM_000350.3 (MANE Select); the canonical splice donor site of the intron after coding-DNA position 5018, T replaced by A.
Molecular consequence: splice donor variant.
Genome position (GRCh38, 1-based): chr1:94,021,238, A>T on the plus strand (T>A on the coding strand, the complement: ABCA4 is on the minus strand). VCF-style: chr1-94021238-A-T. GRCh37 (hg19) VCF-style: chr1-94486794-A-T.
Identifiers: ClinVar variation 99337 (VCV000099337.47), dbSNP rs61750562, ClinGen allele CA227263.
Genomic context (GRCh38, chr1:94,021,238, plus strand): 5'-GGATGTTCAAAGAGTGGAGAAGGTGACAAGAAAGTGGTGAGGCTGGGGCTGTGGTGGCTT[A>T]CACTGTAATCTCTGAGAGCTGCTCCTTGGTCAGGTTCAGGGGTTGGCTAATGACGGTGAT-3'

ClinVar aggregate classification (germline): Pathogenic. Review status: reviewed by expert panel (3 of 4 stars). 7 submissions from 7 submitters: Pathogenic (1). 6 of the submissions do not count toward it. Last evaluated 2025-12-05.

Conditions:
ABCA4-related retinopathy. Also called: ABCA4-related retinoapthy; ABCA4 retinoapthy. Identifiers: MedGen CN322612, MONDO:0800406.
ABCA4-related disorder. Also called: ABCA4-related condition; ABCA4-related disorders. Identifiers: MedGen CN239167.
Retinal dystrophy. Also called: Inherited retinal dystrophy. Identifiers: Orphanet 71862, MedGen C0854723, MeSH D058499, MONDO:0019118, HP:0000556.

gnomAD v4.1: 2 of 1,614,218 alleles (0.00012%); highest among the groups gnomAD compares: Admixed American, 0.0017%; no homozygotes.

Submissions (7):

ClinGen ABCA4 Variant Curation Expert Panel, Clingen
Classification: Pathogenic for ABCA4-related retinopathy. Last evaluated: 2025-12-05. Review status: reviewed by expert panel. Criteria: ClinGen ABCA4 ACMG Specifications V1.0.0. Collection method: curation. Allele origin: germline. Inheritance: Autosomal recessive inheritance.
Comment: The NM_000350.3(ABCA4):c.5018+2T>A variant occurs at a canonical splice site in intron 35 and is expected to disrupt splicing and trigger an exon-skipping event introducing a premature stop codon that is predicted to lead to nonsense-mediated decay (PVS1). The total minor allele frequency in gnomAD v4.1.0 is 0.000001239 (2/1614218 alleles), which is lower than the ClinGen ABCA4 VCEP’s threshold for PM2_Supporting (<0.0001). The prevalence of the variant in affected individuals is significantly increased compared with the prevalence in controls with an OR of infinity and the CI is 2.24-infinity, which is above the ABCA4 VCEP threshold of ≥5, where the CI does not contain 1 (PS4; PMID: 35120629). In summary, this variant meets the criteria to be classified as pathogenic for ABCA4-related retinopathy based on the ACMG/AMP criteria applied, as specified by the ClinGen ABCA4 VCEP (Specification Version 1): PVS1, PS4, PM2_Supporting.

Labcorp Genetics (formerly Invitae), Labcorp
Classification: Pathogenic. Last evaluated: 2024-07-12. Review status: criteria provided, single submitter. Criteria: Invitae Variant Classification Sherloc (09022015). Collection method: clinical testing. Allele origin: germline. Not counted in ClinVar's aggregate classification.
Comment: This sequence change affects a donor splice site in intron 35 of the ABCA4 gene. It is expected to disrupt RNA splicing. Variants that disrupt the donor or acceptor splice site typically lead to a loss of protein function (PMID: 16199547), and loss-of-function variants in ABCA4 are known to be pathogenic (PMID: 10958761, 24938718, 25312043, 26780318). This variant is not present in population databases (gnomAD no frequency). Disruption of this splice site has been observed in individual(s) with Stargardt disease (PMID: 10958763, 19074458, 28947085, 29925512). ClinVar contains an entry for this variant (Variation ID: 99337). Algorithms developed to predict the effect of sequence changes on RNA splicing suggest that this variant may disrupt the consensus splice site. For these reasons, this variant has been classified as Pathogenic.

Blueprint Genetics
Classification: Pathogenic for ABCA4-related disorders. Last evaluated: 2024-01-23. Review status: criteria provided, single submitter. Criteria: ACMG Guidelines, 2015. Collection method: clinical testing. Allele origin: germline. Affected: yes. Observed: 3 variant alleles. Not counted in ClinVar's aggregate classification.

Institute of Human Genetics, Univ. Regensburg, Univ. Regensburg
Classification: Pathogenic for Retinal dystrophy. Last evaluated: 2018-01-01. Review status: criteria provided, single submitter. Criteria: ACMG Guidelines, 2015. Collection method: clinical testing. Allele origin: germline. Affected: yes. Not counted in ClinVar's aggregate classification.

CeGaT Center for Human Genetics Tuebingen
Classification: Pathogenic. Last evaluated: 2017-12-01. Review status: criteria provided, single submitter. Criteria: CeGaT Center For Human Genetics Tuebingen Variant Classification Criteria Version 2. Collection method: clinical testing. Allele origin: germline. Affected: yes. Observed: 1 variant allele. Not counted in ClinVar's aggregate classification.

GeneDx
Classification: Pathogenic. Last evaluated: 2015-05-20. Review status: criteria provided, single submitter. Criteria: GeneDx Variant Classification (06012015). Collection method: clinical testing. Allele origin: germline. Affected: yes. Not counted in ClinVar's aggregate classification.
Comment: The c.5018+2 T>A variant has been reported previously in association with Stargardt disease (Rivera etal., 2000). This variant destroys the canonical splice donor site in intron 35, and is expected to causeabnormal gene splicing either leading to an abnormal message that is subject to nonsense-mediated mRNAdecay, or to an abnormal protein product if the message is used for protein translation. The c.5018+2 T>Avariant was not observed in approximately 6,500 individuals of European and African American ancestry inthe NHLBI Exome Sequencing Project, indicating it is not a common benign variant in these populations. Given the available evidence, we interpret c.5018+2 T>A as a pathogenic variant.

Retina International
No classification provided. Review status: no classification provided. Collection method: not provided. Allele origin: not provided. Not counted in ClinVar's aggregate classification.

Literature cited by the submitters: PubMed 16199547 (cited by Labcorp Genetics (formerly Invitae), Labcorp); PubMed 10958761 (cited by Labcorp Genetics (formerly Invitae), Labcorp); PubMed 24938718 (cited by Labcorp Genetics (formerly Invitae), Labcorp); PubMed 25312043 (cited by Labcorp Genetics (formerly Invitae), Labcorp); PubMed 26780318 (cited by Labcorp Genetics (formerly Invitae), Labcorp); PubMed 10958763 (cited by Labcorp Genetics (formerly Invitae), Labcorp and Institute of Human Genetics, Univ. Regensburg, Univ. Regensburg); PubMed 19074458 (cited by Labcorp Genetics (formerly Invitae), Labcorp); PubMed 28947085 (cited by Labcorp Genetics (formerly Invitae), Labcorp); PubMed 29925512 (cited by Labcorp Genetics (formerly Invitae), Labcorp); PubMed 25525159 (cited by Institute of Human Genetics, Univ. Regensburg, Univ. Regensburg); PubMed 32531858 (cited by Institute of Human Genetics, Univ. Regensburg, Univ. Regensburg).